The following is an entry in ClinVar:

NM_000143.4(FH):c.85G>T (p.Gly29Cys)

Gene: FH (fumarate hydratase; minus strand). Cytogenetic location: 1q43.
Variant type: single nucleotide variant.
Coding change: c.85G>T on transcript NM_000143.4 (MANE Select); coding-DNA position 85, G replaced by T.
Protein change: p.Gly29Cys; replaces glycine 29 with cysteine.
Molecular consequence: missense variant.
Genome position (GRCh38, 1-based): chr1:241,519,638, C>A on the plus strand (G>T on the coding strand, the complement: FH is on the minus strand). VCF-style: chr1-241519638-C-A. GRCh37 (hg19) VCF-style: chr1-241682938-C-A.
Other names: short protein forms G29C.
Identifiers: ClinVar variation 4068076 (VCV004068076.2).

ClinVar aggregate classification (germline): Uncertain significance. Review status: criteria provided, single submitter (1 of 4 stars). 2 submissions from 2 submitters: Uncertain significance (1). 1 of the submissions does not count toward it. Last evaluated 2026-04-20.

Conditions:
Fumarase deficiency (FMRD). Also called: Fumaric aciduria; Fumarate Hydratase Deficiency. Identifiers: Orphanet 24, MedGen C0342770, MONDO:0011730, OMIM 606812.
Hereditary cancer-predisposing syndrome. Also called: Neoplastic Syndromes, Hereditary; Tumor predisposition; Hereditary Cancer Syndrome; Hereditary neoplastic syndrome. Identifiers: Orphanet 140162, MedGen C0027672, MeSH D009386, MONDO:0015356.

gnomAD v4.1: 1 of 1,547,884 alleles (0.000065%); highest among the groups gnomAD compares: Non-Finnish European, 0.000087%; no homozygotes.

Submissions (2):

Ambry Genetics
Classification: Uncertain significance for Hereditary cancer-predisposing syndrome. Last evaluated: 2026-04-20. Review status: criteria provided, single submitter. Criteria: Ambry Variant Classification Scheme 2023. Collection method: clinical testing. Allele origin: germline.
Comment: The p.G29C variant (also known as c.85G>T), located in coding exon 1 of the FH gene, results from a G to T substitution at nucleotide position 85. The glycine at codon 29 is replaced by cysteine, an amino acid with highly dissimilar properties. This amino acid position is not well conserved in available vertebrate species. In addition, the in silico prediction for this alteration is inconclusive. Based on the available evidence, the clinical significance of this variant remains unclear.

Natera, Inc.
Classification: Uncertain significance for Fumarase Deficiency. Last evaluated: 2025-04-10. Review status: no assertion criteria provided. Collection method: clinical testing. Allele origin: germline. Not counted in ClinVar's aggregate classification.